The following is an entry in ClinVar:

NM_033641.4(COL4A6):c.374G>A (p.Cys125Tyr)

Gene: COL4A6 (collagen type IV alpha 6 chain; minus strand). Cytogenetic location: Xq22.3.
Variant type: single nucleotide variant.
Coding change: c.374G>A on transcript NM_033641.4 (MANE Select); coding-DNA position 374, G replaced by A.
Protein change: p.Cys125Tyr; replaces cysteine 125 with tyrosine.
Molecular consequence: missense variant.
Genome position (GRCh38, 1-based): chrX:108,214,179, C>T on the plus strand (G>A on the coding strand, the complement: COL4A6 is on the minus strand). VCF-style: chrX-108214179-C-T. GRCh37 (hg19) VCF-style: chrX-107457409-C-T.
Other names: c.374G>A, p.Cys125Tyr (NM_001287758.2, NM_001287759.2, NM_001287760.2); c.377G>A, p.Cys126Tyr (NM_001847.4); short protein forms C125Y, C126Y.
Identifiers: ClinVar variation 3703495 (VCV003703495.2).

ClinVar aggregate classification (germline): Uncertain significance (1 of 4 stars; one submission).

gnomAD v4.1: 2 of 1,210,362 alleles (0.00017%); highest among the groups gnomAD compares: Non-Finnish European, 0.00022%; no homozygotes.

Submission:

Labcorp Genetics (formerly Invitae), Labcorp
Classification: Uncertain significance. Last evaluated: 2025-10-16. Review status: criteria provided, single submitter. Criteria: Invitae Variant Classification Sherloc (09022015). Collection method: clinical testing. Allele origin: germline.
Comment: This sequence change replaces cysteine, which is neutral and slightly polar, with tyrosine, which is neutral and polar, at codon 126 of the COL4A6 protein (p.Cys126Tyr). This variant is not present in population databases (gnomAD no frequency). This variant has not been reported in the literature in individuals affected with COL4A6-related conditions. ClinVar contains an entry for this variant (Variation ID: 3703495). Invitae Evidence Modeling of protein sequence and biophysical properties (such as structural, functional, and spatial information, amino acid conservation, physicochemical variation, residue mobility, and thermodynamic stability) indicates that this missense variant is expected to disrupt COL4A6 protein function with a positive predictive value of 80%. In summary, the available evidence is currently insufficient to determine the role of this variant in disease. Therefore, it has been classified as a Variant of Uncertain Significance.